The following is an entry in ClinVar:

ClinVar aggregate classification (germline): Pathogenic. Review status: criteria provided, single submitter (1 of 4 stars). 2 submissions from 2 submitters: Pathogenic (1). 1 of the submissions does not count toward it. Last evaluated 2024-03-13.

Conditions:
ABCA4-related disorder. Also called: ABCA4-related condition; ABCA4-related disorders. Identifiers: MedGen CN239167.

Submissions (2):

Blueprint Genetics
Classification: Pathogenic for ABCA4-related disorders. Last evaluated: 2024-03-13. Review status: criteria provided, single submitter. Criteria: ACMG Guidelines, 2015. Collection method: clinical testing. Allele origin: germline. Affected: yes. Observed: 2 variant alleles.

PreventionGenetics, part of Exact Sciences
Classification: Pathogenic for ABCA4-related condition. Last evaluated: 2024-09-12. Review status: no assertion criteria provided. Collection method: clinical testing. Allele origin: germline. Not counted in ClinVar's aggregate classification.
Comment: The ABCA4 c.4320delT variant is predicted to result in a frameshift and premature protein termination (p.Phe1440Leufs*6). This variant has been reported in the compound heterozygous state in individuals with inherited retinal dystrophy, including retinitis pigmentosa and Stargardt disease (Mullins et al. 2012. PubMed ID: 22395892; Dockery et al. 2017. PubMed ID: 29099798; supporting information, Yohe et al. 2019. PubMed ID: 31816670; supplementary table S10, Khan et al. 2020. PubMed ID: 32307445; supplementary table S2, Sun et al. 2020. PubMed ID: 33301772; table S2A, Cornelis et al. 2022. PubMed ID: 35120629). This variant has not been reported in a large population database, indicating this variant is rare. Frameshift variants in ABCA4 are expected to be pathogenic. This variant is interpreted as pathogenic.

NM_000350.3(ABCA4):c.4320del (p.Phe1440fs)

Gene: ABCA4 (ATP binding cassette subfamily A member 4; minus strand). Cytogenetic location: 1p22.1.
Variant type: Deletion.
Coding change: c.4320del on transcript NM_000350.3 (MANE Select); coding-DNA position 4320, one base deleted (T; older notation c.4320delT).
Protein change: p.Phe1440fs; shifts the reading frame from phenylalanine 1440.
Molecular consequence: frameshift variant.
Genome position (GRCh38, 1-based): chr1:94,030,460, A deleted on the plus strand (T on the coding strand, the reverse complement: ABCA4 is on the minus strand); the first of 3 consecutive A bases (chr1:94,030,460-94,030,462); deleting any one gives the same sequence. VCF-style (leftmost placement, unchanged base first): chr1-94030459-CA-C. GRCh37 (hg19) VCF-style: chr1-94496015-CA-C.
Other names: c.4098del, p.Phe1366fs (NM_001425324.1); short protein forms F1366fs, F1440fs.
Identifiers: ClinVar variation 3344881 (VCV003344881.2).
Genomic context (GRCh38, chr1:94,030,459, plus strand): 5'-TCTTAGGACAGGGGCGCGTAGGCACTTACGGAAGCCACCCTTCCTTCAGGCAGCGGTTGC[CA>C]AAGCCTGGCTTATTCAGGAGGACGTCTGCAAGTACCGTGAACTGCTCACTGCCTGGTTCA-3'